The following is an entry in ClinVar:

ClinVar aggregate classification (germline): Uncertain significance (1 of 4 stars; one submission).

Conditions:
Ehlers-Danlos syndrome, type 4 (EDSVASC). Also called: Ehlers-Danlos syndrome vascular type; Ehlers Danlos syndrome, ecchymotic type; Ehlers Danlos syndrome, arterial type; Ehlers Danlos syndrome, Sack-Barabas type; Ehlers-Danlos Syndrome Type IV. Identifiers: Orphanet 286, MedGen C0268338, MONDO:0017314, OMIM 130050.

Allele frequency attached by ClinVar (database versions not stated): gnomAD exomes below 0.00001; TOPMed 0.00003; gnomAD 0.00005.
gnomAD v4.1: 10 of 1,613,792 alleles (0.00062%); highest among the groups gnomAD compares: African/African-American, 0.011%; no homozygotes.

Submission:

Labcorp Genetics (formerly Invitae), Labcorp
Classification: Uncertain significance for Ehlers-Danlos syndrome, type 4. Last evaluated: 2022-07-19. Review status: criteria provided, single submitter. Criteria: Invitae Variant Classification Sherloc (09022015). Collection method: clinical testing. Allele origin: germline.
Comment: In summary, the available evidence is currently insufficient to determine the role of this variant in disease. Therefore, it has been classified as a Variant of Uncertain Significance. Advanced modeling of protein sequence and biophysical properties (such as structural, functional, and spatial information, amino acid conservation, physicochemical variation, residue mobility, and thermodynamic stability) performed at Invitae indicates that this missense variant is not expected to disrupt COL3A1 protein function. ClinVar contains an entry for this variant (Variation ID: 1015656). This variant has not been reported in the literature in individuals affected with COL3A1-related conditions. This variant is present in population databases (no rsID available, gnomAD 0.008%). This sequence change replaces alanine, which is neutral and non-polar, with aspartic acid, which is acidic and polar, at codon 412 of the COL3A1 protein (p.Ala412Asp).

NM_000090.4(COL3A1):c.1235C>A (p.Ala412Asp)

Gene: COL3A1 (collagen type III alpha 1 chain; plus strand). Cytogenetic location: 2q32.2.
Variant type: single nucleotide variant.
Coding change: c.1235C>A on transcript NM_000090.4 (MANE Select); coding-DNA position 1235, C replaced by A.
Protein change: p.Ala412Asp; replaces alanine 412 with aspartic acid.
Molecular consequence: missense variant.
Genome position (GRCh38, 1-based): chr2:188,994,274, C>A. VCF-style: chr2-188994274-C-A. GRCh37 (hg19) VCF-style: chr2-189859000-C-A.
Other names: short protein forms A412D.
Identifiers: ClinVar variation 1015656 (VCV001015656.9), dbSNP rs1057519250, ClinGen allele CA62595297.